The following is an entry in ClinVar:

ClinVar aggregate classification (germline): Uncertain significance. Review status: criteria provided, multiple submitters, no conflicts (2 of 4 stars). 2 submissions from 2 submitters: Uncertain significance (2). Last evaluated 2025-08-17.

Conditions:
Cardiovascular phenotype. Identifiers: MedGen CN230736.
Dilated cardiomyopathy 2B. Identifiers: Orphanet 154, MedGen C3553409, MONDO:0013848, OMIM 614672.

Submissions (2):

Labcorp Genetics (formerly Invitae), Labcorp
Classification: Uncertain significance for Dilated cardiomyopathy 2B. Last evaluated: 2025-08-17. Review status: criteria provided, single submitter. Criteria: Invitae Variant Classification Sherloc (09022015). Collection method: clinical testing. Allele origin: germline.
Comment: This sequence change replaces histidine, which is basic and polar, with tyrosine, which is neutral and polar, at codon 32 of the GATAD1 protein (p.His32Tyr). This variant is not present in population databases (gnomAD no frequency). This variant has not been reported in the literature in individuals affected with GATAD1-related conditions. ClinVar contains an entry for this variant (Variation ID: 2625759). Invitae Evidence Modeling of protein sequence and biophysical properties (such as structural, functional, and spatial information, amino acid conservation, physicochemical variation, residue mobility, and thermodynamic stability) indicates that this missense variant is not expected to disrupt GATAD1 protein function with a negative predictive value of 80%. In summary, the available evidence is currently insufficient to determine the role of this variant in disease. Therefore, it has been classified as a Variant of Uncertain Significance.

Ambry Genetics
Classification: Uncertain significance for Cardiovascular phenotype. Last evaluated: 2025-07-09. Review status: criteria provided, single submitter. Criteria: Ambry Variant Classification Scheme 2023. Collection method: clinical testing. Allele origin: germline.
Comment: The p.H32Y variant (also known as c.94C>T), located in coding exon 1 of the GATAD1 gene, results from a C to T substitution at nucleotide position 94. The histidine at codon 32 is replaced by tyrosine, an amino acid with similar properties. This amino acid position is well conserved in available vertebrate species. In addition, the in silico prediction for this alteration is inconclusive. The evidence for this gene-disease relationship is limited; therefore, the clinical significance of this alteration is unclear.

NM_021167.5(GATAD1):c.94C>T (p.His32Tyr)

Genes: GATAD1 (GATA zinc finger domain containing 1; plus strand), LOC129998793 (ATAC-STARR-seq lymphoblastoid silent region 18371; plus strand). Cytogenetic location: 7q21.2.
Variant type: single nucleotide variant.
Coding change: c.94C>T on transcript NM_021167.5 (MANE Select); coding-DNA position 94, C replaced by T.
Protein change: p.His32Tyr; replaces histidine 32 with tyrosine.
Molecular consequence: missense variant. On other transcripts: non-coding transcript variant (1).
Genome position (GRCh38, 1-based): chr7:92,447,823, C>T. VCF-style: chr7-92447823-C-T. GRCh37 (hg19) VCF-style: chr7-92077137-C-T.
Other names: short protein forms H32Y.
Identifiers: ClinVar variation 2625759 (VCV002625759.5), dbSNP rs2484515209, ClinGen allele CA368155036.
Genomic context (GRCh38, chr7:92,447,823, plus strand): 5'-TGCAAGACCACGTCGTCCTCCATGTGGAAGAAGGGAGCGCAGGGGGAGATCCTCTGCCAT[C>T]ATTGCACTGGCCGGGGCGGCGCGGGCAGCGGGGGCGCAGGCTCGGGGGCGGCTGGAGGGA-3'
Protein context (NP_066990.3, residues 22-42): KGAQGEILCH[His32Tyr]CTGRGGAGSG